The following is an entry in ClinVar:

ClinVar aggregate classification (germline): Uncertain significance (1 of 4 stars; one submission).

Submission:

GeneDx
Classification: Uncertain significance. Last evaluated: 2026-02-18. Review status: criteria provided, single submitter. Criteria: GeneDx Variant Classification Process June 2021. Collection method: clinical testing. Allele origin: germline.
Comment: Not observed at significant frequency in large population cohorts (gnomAD); In silico analysis supports that this missense variant has a deleterious effect on protein structure/function; Has not been previously published as pathogenic or benign to our knowledge

NM_001366145.2(TRPM3):c.1698C>G (p.Ser566Arg)

Gene: TRPM3 (transient receptor potential cation channel subfamily M member 3; minus strand). Cytogenetic location: 9q21.12.
Variant type: single nucleotide variant.
Coding change: c.1698C>G on transcript NM_001366145.2 (MANE Select); coding-DNA position 1698, C replaced by G.
Protein change: p.Ser566Arg; replaces serine 566 with arginine.
Molecular consequence: missense variant.
Genome position (GRCh38, 1-based): chr9:70,625,302, G>C on the plus strand (C>G on the coding strand, the complement: TRPM3 is on the minus strand). VCF-style: chr9-70625302-G-C. GRCh37 (hg19) VCF-style: chr9-73240218-G-C.
Other names: c.1662C>G, p.Ser554Arg (NM_001007471.4, NM_001366150.2, NM_001366151.2); c.1668C>G, p.Ser556Arg (NM_001366141.2, NM_001366143.2); c.1704C>G, p.Ser568Arg (NM_001366142.2); c.1698C>G, p.Ser566Arg (NM_001366146.2, NM_001366149.2); c.1773C>G, p.Ser591Arg (NM_001366147.2, NM_001366148.2, NM_001366152.2); c.1239C>G, p.Ser413Arg (NM_001366154.2, NM_024971.7, NM_206945.5); c.1203C>G, p.Ser401Arg (NM_020952.6, NM_206944.5); c.1278C>G, p.Ser426Arg (NM_206946.5, NM_206947.5); short protein forms S401R, S413R, S426R, S554R, S556R, S566R, S568R, S591R.
Identifiers: ClinVar variation 4976112 (VCV004976112.1).